The following is an entry in ClinVar:

NM_004369.4(COL6A3):c.7711G>A (p.Gly2571Arg)

Gene: COL6A3 (collagen type VI alpha 3 chain; minus strand). Cytogenetic location: 2q37.3.
Variant type: single nucleotide variant.
Coding change: c.7711G>A on transcript NM_004369.4 (MANE Select); coding-DNA position 7711, G replaced by A.
Protein change: p.Gly2571Arg; replaces glycine 2571 with arginine.
Molecular consequence: missense variant.
Genome position (GRCh38, 1-based): chr2:237,342,119, C>T on the plus strand (G>A on the coding strand, the complement: COL6A3 is on the minus strand). VCF-style: chr2-237342119-C-T. GRCh37 (hg19) VCF-style: chr2-238250762-C-T.
Other names: c.5890G>A, p.Gly1964Arg (NM_057166.5); c.7093G>A, p.Gly2365Arg (NM_057167.4); short protein forms G2365R, G1964R, G2571R.
Identifiers: ClinVar variation 3655229 (VCV003655229.2).

ClinVar aggregate classification (germline): Uncertain significance (1 of 4 stars; one submission).

Conditions:
Bethlem myopathy 1A. Also called: Bethlem myopathy 1; MYOPATHY, BENIGN CONGENITAL, WITH CONTRACTURES; Bethlem Muscular Dystrophy. Identifiers: Orphanet 610, MedGen CN029274, MONDO:0024530, OMIM 158810.

Submission:

Labcorp Genetics (formerly Invitae), Labcorp
Classification: Uncertain significance for Bethlem myopathy 1A. Last evaluated: 2025-09-09. Review status: criteria provided, single submitter. Criteria: Invitae Variant Classification Sherloc (09022015). Collection method: clinical testing. Allele origin: germline.
Comment: This sequence change replaces glycine, which is neutral and non-polar, with arginine, which is basic and polar, at codon 2571 of the COL6A3 protein (p.Gly2571Arg). This variant is present in population databases (no rsID available, gnomAD 0.0009%). This variant has not been reported in the literature in individuals affected with COL6A3-related conditions. ClinVar contains an entry for this variant (Variation ID: 3655229). Invitae Evidence Modeling of protein sequence and biophysical properties (such as structural, functional, and spatial information, amino acid conservation, physicochemical variation, residue mobility, and thermodynamic stability) indicates that this missense variant is not expected to disrupt COL6A3 protein function with a negative predictive value of 80%. In summary, the available evidence is currently insufficient to determine the role of this variant in disease. Therefore, it has been classified as a Variant of Uncertain Significance.